The following is an entry in ClinVar:

NM_017763.6(RNF43):c.2325C>T (p.Leu775=)

Gene: RNF43 (ring finger protein 43; minus strand). Cytogenetic location: 17q22.
Variant type: single nucleotide variant.
Coding change: c.2325C>T on transcript NM_017763.6 (MANE Select); coding-DNA position 2325, C replaced by T.
Protein change: p.Leu775=; no amino-acid change (leucine 775 retained).
Molecular consequence: synonymous variant.
Genome position (GRCh38, 1-based): chr17:58,354,970, G>A on the plus strand (C>T on the coding strand, the complement: RNF43 is on the minus strand). VCF-style: chr17-58354970-G-A. GRCh37 (hg19) VCF-style: chr17-56432331-G-A.
Other names: c.2325C>T, p.Leu775= (NM_001305544.3); c.1944C>T, p.Leu648= (NM_001305545.2).
Identifiers: ClinVar variation 1666463 (VCV001666463.11), dbSNP rs200496300, ClinGen allele CA292029278.

ClinVar aggregate classification (germline): Benign/Likely benign. Review status: criteria provided, multiple submitters, no conflicts (2 of 4 stars). 4 submissions from 4 submitters: Benign (1); Likely benign (3). Last evaluated 2026-07-02.

Conditions:
Sessile serrated polyposis cancer syndrome (SSPCS). Identifiers: Orphanet 157798, MedGen C4310714, MONDO:0014919, OMIM 617108.

Allele frequency attached by ClinVar (database versions not stated): TOPMed 0.00002; gnomAD exomes 0.00001; 1000 Genomes Project 30x 0.00016; 1000 Genomes Project 0.00020; gnomAD 0.00001.
gnomAD v4.1: 23 of 1,614,066 alleles (0.0014%); highest among the groups gnomAD compares: Middle Eastern, 0.033%; no homozygotes.

Submissions (4):

Myriad Genetics, Inc.
Classification: Benign for Sessile serrated polyposis cancer syndrome. Last evaluated: 2026-07-02. Review status: criteria provided, single submitter. Criteria: Myriad Autosomal Dominant, Autosomal Recessive and X-Linked Classification Criteria (2023). Collection method: clinical testing. Allele origin: unknown.
Comment: This variant is considered benign. This variant is a silent/synonymous amino acid change and it is not expected to impact splicing.

Labcorp Genetics (formerly Invitae), Labcorp
Classification: Likely benign. Last evaluated: 2025-02-09. Review status: criteria provided, single submitter. Criteria: Invitae Variant Classification Sherloc (09022015). Collection method: clinical testing. Allele origin: germline.

Ambry Genetics
Classification: Likely benign. Last evaluated: 2024-12-15. Review status: criteria provided, single submitter. Criteria: Ambry Variant Classification Scheme 2023. Collection method: clinical testing. Allele origin: germline.

Breakthrough Genomics
Classification: Likely benign. Review status: criteria provided, single submitter. Criteria: ACMG Guidelines, 2015. Collection method: not provided. Allele origin: germline. Inheritance: Autosomal dominant inheritance. Affected: yes.